The following is an entry in ClinVar:

ClinVar aggregate classification (germline): Conflicting classifications of pathogenicity. Review status: criteria provided, conflicting classifications (1 of 4 stars). 6 submissions from 6 submitters: Uncertain significance (4); Likely benign (1). 1 of the submissions does not count toward it. Last evaluated 2025-08-25.

Conditions:
FANCE-related disorder. Also called: FANCE-related condition.
Fanconi anemia complementation group E (FANCE). Also called: FANCE-Related Fanconi Anemia. Identifiers: Orphanet 84, MedGen C3160739, MONDO:0010953, OMIM 600901.

Allele frequency attached by ClinVar (database versions not stated): gnomAD exomes 0.00014 and 0.00045; 1000 Genomes Project 30x 0.00016; TOPMed 0.00019; ExAC 0.00020; gnomAD 0.00025 and 0.00028.
gnomAD v4.1: 565 of 1,333,328 alleles (0.042%); highest among the groups gnomAD compares: Middle Eastern, 0.081%; no homozygotes.

Submissions (6):

Dasa
Classification: Uncertain significance. Last evaluated: 2025-08-25. Review status: criteria provided, single submitter. Criteria: DASA Assertion Criteria. Collection method: clinical testing. Allele origin: germline.
Comment: NM_021922.3(FANCE):c.31G>A (p.Ala11Thr) is a missense variant that results in the substitution of alanine with threonine. This variant is rare in population databases. Computational prediction algorithms are consistent with a benign effect. The currently available literature and clinical evidence are not sufficient to establish a definitive association between this variant and the reported condition. Therefore, this variant is classified as a variant of uncertain significance.

Labcorp Genetics (formerly Invitae), Labcorp
Classification: Uncertain significance for Fanconi anemia complementation group E. Last evaluated: 2025-01-02. Review status: criteria provided, single submitter. Criteria: Invitae Variant Classification Sherloc (09022015). Collection method: clinical testing. Allele origin: germline.
Comment: This sequence change replaces alanine, which is neutral and non-polar, with threonine, which is neutral and polar, at codon 11 of the FANCE protein (p.Ala11Thr). This variant is present in population databases (rs753304968, gnomAD 0.04%). This variant has not been reported in the literature in individuals affected with FANCE-related conditions. ClinVar contains an entry for this variant (Variation ID: 408158). An algorithm developed to predict the effect of missense changes on protein structure and function outputs the following: PolyPhen-2: "Benign". The threonine amino acid residue is found in multiple mammalian species, which suggests that this missense change does not adversely affect protein function. In summary, the available evidence is currently insufficient to determine the role of this variant in disease. Therefore, it has been classified as a Variant of Uncertain Significance.

Blueprint Genetics
Classification: Likely benign. Last evaluated: 2024-09-23. Review status: criteria provided, single submitter. Criteria: ACMG Guidelines, 2015. Collection method: clinical testing. Allele origin: germline.

Fulgent Genetics
Classification: Uncertain significance for Fanconi anemia complementation group E. Last evaluated: 2023-12-29. Review status: criteria provided, single submitter. Criteria: ACMG Guidelines, 2015. Collection method: clinical testing. Allele origin: germline.

Illumina Laboratory Services, Illumina
Classification: Uncertain significance for Fanconi anemia complementation group E. Last evaluated: 2018-01-13. Review status: criteria provided, single submitter. Criteria: ICSL Variant Classification Criteria 13 December 2019. Collection method: clinical testing. Allele origin: germline.

PreventionGenetics, part of Exact Sciences
Classification: Uncertain significance for FANCE-related condition. Last evaluated: 2024-07-24. Review status: no assertion criteria provided. Collection method: clinical testing. Allele origin: germline. Not counted in ClinVar's aggregate classification.
Comment: The FANCE c.31G>A variant is predicted to result in the amino acid substitution p.Ala11Thr. To our knowledge, this variant has not been reported in the literature. This variant is reported in 0.035% of alleles in individuals of European (Non-Finnish) descent in gnomAD. At this time, the clinical significance of this variant is uncertain due to the absence of conclusive functional and genetic evidence.

NM_021922.3(FANCE):c.31G>A (p.Ala11Thr)

Genes: FANCE (FA complementation group E; plus strand), LOC129996245 (ATAC-STARR-seq lymphoblastoid silent region 17092; plus strand). Cytogenetic location: 6p21.31.
Variant type: single nucleotide variant.
Coding change: c.31G>A on transcript NM_021922.3 (MANE Select); coding-DNA position 31, G replaced by A.
Protein change: p.Ala11Thr; replaces alanine 11 with threonine.
Molecular consequence: missense variant.
Genome position (GRCh38, 1-based): chr6:35,452,576, G>A. VCF-style: chr6-35452576-G-A. GRCh37 (hg19) VCF-style: chr6-35420353-G-A.
Other names: short protein forms A11T.
Identifiers: ClinVar variation 408158 (VCV000408158.16), dbSNP rs753304968, ClinGen allele CA3771348.